The following is an entry in ClinVar:

NM_001037.5(SCN1B):c.448+115C>T

Gene: SCN1B (sodium voltage-gated channel beta subunit 1; plus strand). Cytogenetic location: 19q13.11.
Variant type: single nucleotide variant.
Coding change: c.448+115C>T on transcript NM_001037.5 (MANE Select); 115 bases into the intron after coding-DNA position 448, C replaced by T.
Molecular consequence: intron variant. On other transcripts: missense variant (1).
Genome position (GRCh38, 1-based): chr19:35,033,854, C>T. VCF-style: chr19-35033854-C-T. GRCh37 (hg19) VCF-style: chr19-35524758-C-T.
Other names: c.563C>T, p.Pro188Leu (NM_199037.5); c.349+115C>T (NM_001321605.2); short protein forms P188L.
Identifiers: ClinVar variation 2867621 (VCV002867621.3), dbSNP rs747063451, ClinGen allele CA9372035.

ClinVar aggregate classification (germline): Uncertain significance (1 of 4 stars; one submission).

Conditions:
Brugada syndrome 5 (BRGDA5). Identifiers: Orphanet 130, Orphanet 871, MedGen C2748541, MONDO:0013015, OMIM 612838.

Allele frequency attached by ClinVar (database versions not stated): ExAC 0.00001; gnomAD exomes 0.00001.
gnomAD v4.1: 3 of 1,611,164 alleles (0.00019%); highest among the groups gnomAD compares: Admixed American, 0.0033%; no homozygotes.

Submission:

Labcorp Genetics (formerly Invitae), Labcorp
Classification: Uncertain significance for Brugada syndrome 5. Last evaluated: 2025-07-06. Review status: criteria provided, single submitter. Criteria: Invitae Variant Classification Sherloc (09022015). Collection method: clinical testing. Allele origin: germline.
Comment: This sequence change replaces proline, which is neutral and non-polar, with leucine, which is neutral and non-polar, at codon 188 of the SCN1B protein (p.Pro188Leu). This variant is present in population databases (rs747063451, gnomAD 0.006%). This variant has not been reported in the literature in individuals affected with SCN1B-related conditions. ClinVar contains an entry for this variant (Variation ID: 2867621). An algorithm developed to predict the effect of missense changes on protein structure and function outputs the following: PolyPhen-2: "Benign". The leucine amino acid residue is found in multiple mammalian species, which suggests that this missense change does not adversely affect protein function. In summary, the available evidence is currently insufficient to determine the role of this variant in disease. Therefore, it has been classified as a Variant of Uncertain Significance.